The following is an entry in ClinVar:

ClinVar aggregate classification (germline): Uncertain significance. Review status: criteria provided, multiple submitters, no conflicts (2 of 4 stars). 2 submissions from 2 submitters: Uncertain significance (2). Last evaluated 2025-06-08.

Conditions:
Inborn genetic diseases. Identifiers: MedGen C0950123, MeSH D030342.

Allele frequency attached by ClinVar (database versions not stated): gnomAD exomes below 0.00001; ExAC 0.00001; gnomAD 0.00002; TOPMed 0.00002.
gnomAD v4.1: 9 of 1,614,060 alleles (0.00056%); highest among the groups gnomAD compares: African/African-American, 0.0093%; no homozygotes.

Submissions (2):

Ambry Genetics
Classification: Uncertain significance for Inborn genetic diseases. Last evaluated: 2025-06-08. Review status: criteria provided, single submitter. Criteria: Ambry Variant Classification Scheme 2023. Collection method: clinical testing. Allele origin: germline.

Labcorp Genetics (formerly Invitae), Labcorp
Classification: Uncertain significance. Last evaluated: 2022-08-02. Review status: criteria provided, single submitter. Criteria: Invitae Variant Classification Sherloc (09022015). Collection method: clinical testing. Allele origin: germline.
Comment: This sequence change replaces threonine, which is neutral and polar, with alanine, which is neutral and non-polar, at codon 444 of the XPR1 protein (p.Thr444Ala). This variant is present in population databases (rs779448185, gnomAD 0.01%). This variant has not been reported in the literature in individuals affected with XPR1-related conditions. Algorithms developed to predict the effect of missense changes on protein structure and function (SIFT, PolyPhen-2, Align-GVGD) all suggest that this variant is likely to be tolerated. In summary, the available evidence is currently insufficient to determine the role of this variant in disease. Therefore, it has been classified as a Variant of Uncertain Significance.

NM_004736.4(XPR1):c.1330A>G (p.Thr444Ala)

Gene: XPR1 (xenotropic and polytropic retrovirus receptor 1; plus strand). Cytogenetic location: 1q25.3.
Variant type: single nucleotide variant.
Coding change: c.1330A>G on transcript NM_004736.4 (MANE Select); coding-DNA position 1330, A replaced by G.
Protein change: p.Thr444Ala; replaces threonine 444 with alanine.
Molecular consequence: missense variant. On other transcripts: intron variant (1).
Genome position (GRCh38, 1-based): chr1:180,836,545, A>G. VCF-style: chr1-180836545-A-G. GRCh37 (hg19) VCF-style: chr1-180805681-A-G.
Other names: c.1330A>G, p.Thr444Ala (NM_001328662.2); c.1306+1500A>G (NM_001135669.2); c.1330A>G (NM_004736.3); short protein forms T444A.
Identifiers: ClinVar variation 2174213 (VCV002174213.5), dbSNP rs779448185, ClinGen allele CA1272756.